The following is an entry in ClinVar:

NM_016006.6(ABHD5):c.25G>T (p.Asp9Tyr)

Genes: ANO10 (anoctamin 10; minus strand), ABHD5 (abhydrolase domain containing 5, lysophosphatidic acid acyltransferase; plus strand). Cytogenetic location: 3p21.33.
Variant type: single nucleotide variant.
Coding change: c.25G>T on transcript NM_016006.6 (MANE Select); coding-DNA position 25, G replaced by T.
Protein change: p.Asp9Tyr; replaces aspartic acid 9 with tyrosine.
Molecular consequence: missense variant. On other transcripts: non-coding transcript variant (1), intron variant (2).
Genome position (GRCh38, 1-based): chr3:43,691,017, G>T. VCF-style: chr3-43691017-G-T. GRCh37 (hg19) VCF-style: chr3-43732509-G-T.
Other names: c.25G>T, p.Asp9Tyr (NM_001355186.2, NM_001365650.1); c.-12+500C>A (NM_001346469.2, NM_001346468.2); short protein forms D9Y.
Identifiers: ClinVar variation 2119890 (VCV002119890.5), dbSNP rs2084364546, ClinGen allele CA352343656.

ClinVar aggregate classification (germline): Uncertain significance. Review status: criteria provided, multiple submitters, no conflicts (2 of 4 stars). 2 submissions from 2 submitters: Uncertain significance (2). Last evaluated 2026-02-12.

Conditions:
ABHD5-related disorder. Also called: ABHD5-related condition.

Allele frequency attached by ClinVar (database versions not stated): TOPMed below 0.00001.
gnomAD v4.1: 1 of 1,565,996 alleles (0.000064%); highest among the groups gnomAD compares: Admixed American, 0.0018%; no homozygotes.

Submissions (2):

PreventionGenetics, part of Exact Sciences
Classification: Uncertain significance for ABHD5-related condition. Last evaluated: 2026-02-12. Review status: criteria provided, single submitter. Criteria: ACMG Guidelines, 2015. Collection method: clinical testing. Allele origin: germline.
Comment: The ABHD5 c.25G>T variant is predicted to result in the amino acid substitution p.Asp9Tyr. To our knowledge, this variant has not been reported in the literature or in a large population database (gnomAD), indicating this variant is rare. At this time, the clinical significance of this variant is uncertain due to the absence of conclusive functional and genetic evidence.

Labcorp Genetics (formerly Invitae), Labcorp
Classification: Uncertain significance. Last evaluated: 2025-09-02. Review status: criteria provided, single submitter. Criteria: Invitae Variant Classification Sherloc (09022015). Collection method: clinical testing. Allele origin: germline.
Comment: This sequence change replaces aspartic acid, which is acidic and polar, with tyrosine, which is neutral and polar, at codon 9 of the ABHD5 protein (p.Asp9Tyr). This variant is not present in population databases (gnomAD no frequency). This variant has not been reported in the literature in individuals affected with ABHD5-related conditions. ClinVar contains an entry for this variant (Variation ID: 2119890). An algorithm developed to predict the effect of missense changes on protein structure and function (PolyPhen-2) suggests that this variant is likely to be tolerated. In summary, the available evidence is currently insufficient to determine the role of this variant in disease. Therefore, it has been classified as a Variant of Uncertain Significance.